The following is an entry in ClinVar:

ClinVar aggregate classification (germline): Likely benign. Review status: criteria provided, single submitter (1 of 4 stars). 2 submissions from 2 submitters: Likely benign (1). 1 of the submissions does not count toward it. Last evaluated 2026-02-02.

Conditions:
SURF1-related disorder. Also called: SURF1-related condition.
Leigh syndrome (NULS). Also called: Leigh Syndrome (mtDNA deletion); Leigh Disease; Subacute necrotizing encephalopathy; Necrotizing encephalopathy infantile subacute of Leigh; Leigh's syndrome; LEIGH SYNDROME, NUCLEAR. Identifiers: Orphanet 506, MedGen C2931891, MONDO:0009723, OMIM 256000.

gnomAD v4.1: 121 of 1,613,592 alleles (0.0075%); highest among the groups gnomAD compares: Non-Finnish European, 0.01%; no homozygotes.

Submissions (2):

Labcorp Genetics (formerly Invitae), Labcorp
Classification: Likely benign for Leigh syndrome. Last evaluated: 2026-02-02. Review status: criteria provided, single submitter. Criteria: Invitae Variant Classification Sherloc (09022015). Collection method: clinical testing. Allele origin: germline.

PreventionGenetics, part of Exact Sciences
Classification: Likely benign for SURF1-related condition. Last evaluated: 2019-07-08. Review status: no assertion criteria provided. Collection method: clinical testing. Allele origin: germline. Not counted in ClinVar's aggregate classification.
Comment: This variant is classified as likely benign based on ACMG/AMP sequence variant interpretation guidelines (Richards et al. 2015 PMID: 25741868, with internal and published modifications).

NM_003172.4(SURF1):c.324-19T>C

Gene: SURF1 (SURF1 cytochrome c oxidase assembly factor; minus strand). Cytogenetic location: 9q34.2.
Variant type: single nucleotide variant.
Coding change: c.324-19T>C on transcript NM_003172.4 (MANE Select); 19 bases into the intron before coding-DNA position 324, T replaced by C.
Molecular consequence: intron variant.
Genome position (GRCh38, 1-based): chr9:133,353,959, A>G on the plus strand (T>C on the coding strand, the complement: SURF1 is on the minus strand). VCF-style: chr9-133353959-A-G. GRCh37 (hg19) VCF-style: chr9-136220814-A-G.
Other names: c.-4-19T>C (NM_001280787.1); c.324-19T>C (NM_003172.3).
Identifiers: ClinVar variation 1674536 (VCV001674536.9), dbSNP rs369080027, ClinGen allele CA200833108.